The following is an entry in ClinVar:

ClinVar aggregate classification (germline): Pathogenic (1 of 4 stars; one submission).

Conditions:
Congenital myotonia, autosomal dominant form (THD). Also called: THOMSEN DISEASE; Myotonia congenita autosomal dominant. Identifiers: Orphanet 614, MedGen C2936781, MONDO:0008055, OMIM 160800.
Congenital myotonia, autosomal recessive form. Also called: BECKER DISEASE; Becker Generalized Myotonia; myotonia congenita, autosomal recessive. Identifiers: Orphanet 614, MedGen C0751360, MONDO:0009715, OMIM 255700.

Allele frequency attached by ClinVar (database versions not stated): gnomAD exomes below 0.00001; ExAC 0.00001.
gnomAD v4.1: 1 of 1,614,002 alleles (0.000062%); no homozygotes.

Submission:

Labcorp Genetics (formerly Invitae), Labcorp
Classification: Pathogenic for Congenital myotonia, autosomal recessive form; Congenital myotonia, autosomal dominant form. Last evaluated: 2023-01-23. Review status: criteria provided, single submitter. Criteria: Invitae Variant Classification Sherloc (09022015). Collection method: clinical testing. Allele origin: germline.
Comment: This missense change has been observed in individual(s) with autosomal recessive myotonia congenita (PMID: 29935101; Invitae). In at least one individual the data is consistent with being in trans (on the opposite chromosome) from a pathogenic variant. This variant is present in population databases (rs755343536, gnomAD 0.0009%). This sequence change replaces threonine, which is neutral and polar, with isoleucine, which is neutral and non-polar, at codon 832 of the CLCN1 protein (p.Thr832Ile). ClinVar contains an entry for this variant (Variation ID: 978544). For these reasons, this variant has been classified as Pathogenic. Experimental studies have shown that this missense change affects CLCN1 function (PMID: 29935101). Advanced modeling of protein sequence and biophysical properties (such as structural, functional, and spatial information, amino acid conservation, physicochemical variation, residue mobility, and thermodynamic stability) has been performed at Invitae for this missense variant, however the output from this modeling did not meet the statistical confidence thresholds required to predict the impact of this variant on CLCN1 protein function.

Literature cited by the submitters: PubMed 29935101.

NM_000083.3(CLCN1):c.2495C>T (p.Thr832Ile)

Gene: CLCN1 (chloride voltage-gated channel 1; plus strand). Cytogenetic location: 7q34.
Variant type: single nucleotide variant.
Coding change: c.2495C>T on transcript NM_000083.3 (MANE Select); coding-DNA position 2495, C replaced by T.
Protein change: p.Thr832Ile; replaces threonine 832 with isoleucine.
Molecular consequence: missense variant. On other transcripts: non-coding transcript variant (1).
Genome position (GRCh38, 1-based): chr7:143,350,463, C>T. VCF-style: chr7-143350463-C-T. GRCh37 (hg19) VCF-style: chr7-143047556-C-T.
Other names: short protein forms T832I.
Identifiers: ClinVar variation 978544 (VCV000978544.9), dbSNP rs755343536, ClinGen allele CA4537701.